The following is an entry in ClinVar:

NM_006755.2(TALDO1):c.638-5T>C

Genes: TALDO1 (transaldolase 1; plus strand), LOC126861110 (CDK7 strongly-dependent group 2 enhancer GRCh37_chr11:762588-763787; plus strand). Cytogenetic location: 11p15.5.
Variant type: single nucleotide variant.
Coding change: c.638-5T>C on transcript NM_006755.2 (MANE Select); 5 bases into the intron before coding-DNA position 638, T replaced by C.
Molecular consequence: intron variant.
Genome position (GRCh38, 1-based): chr11:763,742, T>C. VCF-style: chr11-763742-T-C. GRCh37 (hg19) VCF-style: chr11-763742-T-C.
Other names: c.638-5T>C (NM_006755.1).
Identifiers: ClinVar variation 1549483 (VCV001549483.10), dbSNP rs145230476, ClinGen allele CA5788252.

ClinVar aggregate classification (germline): Likely benign. Review status: criteria provided, single submitter (1 of 4 stars). 2 submissions from 2 submitters: Likely benign (1). 1 of the submissions does not count toward it. Last evaluated 2025-08-09.

Conditions:
TALDO1-related disorder. Also called: TALDO1-related condition.

Allele frequency attached by ClinVar (database versions not stated): gnomAD exomes 0.00005; ExAC 0.00008; ESP Exome Variant Server 0.00008; 1000 Genomes Project 30x 0.00016; 1000 Genomes Project 0.00020.

Submissions (2):

Labcorp Genetics (formerly Invitae), Labcorp
Classification: Likely benign. Last evaluated: 2025-08-09. Review status: criteria provided, single submitter. Criteria: Invitae Variant Classification Sherloc (09022015). Collection method: clinical testing. Allele origin: germline.

PreventionGenetics, part of Exact Sciences
Classification: Likely benign for TALDO1-related condition. Last evaluated: 2022-07-27. Review status: no assertion criteria provided. Collection method: clinical testing. Allele origin: germline. Not counted in ClinVar's aggregate classification.
Comment: This variant is classified as likely benign based on ACMG/AMP sequence variant interpretation guidelines (Richards et al. 2015 PMID: 25741868, with internal and published modifications).